The following is an entry in ClinVar:

NM_001286445.3(RIPOR2):c.1064C>G (p.Ser355Cys)

Gene: RIPOR2 (RHO family interacting cell polarization regulator 2; minus strand). Cytogenetic location: 6p22.3.
Variant type: single nucleotide variant.
Coding change: c.1064C>G on transcript NM_001286445.3 (MANE Select); coding-DNA position 1064, C replaced by G.
Protein change: p.Ser355Cys; replaces serine 355 with cysteine.
Molecular consequence: missense variant.
Genome position (GRCh38, 1-based): chr6:24,848,125, G>C on the plus strand (C>G on the coding strand, the complement: RIPOR2 is on the minus strand). VCF-style: chr6-24848125-G-C. GRCh37 (hg19) VCF-style: chr6-24848353-G-C.
Other names: c.1079C>G, p.Ser360Cys (NM_001286446.3); c.977C>G, p.Ser326Cys (NM_001286447.2, NM_001346031.2, NM_001346032.2 and 2 more transcripts); short protein forms S326C, S355C, S360C.
Identifiers: ClinVar variation 2761380 (VCV002761380.3), dbSNP rs1762504981, ClinGen allele CA362995553.

ClinVar aggregate classification (germline): Uncertain significance (1 of 4 stars; one submission).

Submission:

Labcorp Genetics (formerly Invitae), Labcorp
Classification: Uncertain significance. Last evaluated: 2024-12-03. Review status: criteria provided, single submitter. Criteria: Invitae Variant Classification Sherloc (09022015). Collection method: clinical testing. Allele origin: germline.
Comment: This sequence change replaces serine, which is neutral and polar, with cysteine, which is neutral and slightly polar, at codon 326 of the FAM65B protein (p.Ser326Cys). This variant is not present in population databases (gnomAD no frequency). This variant has not been reported in the literature in individuals affected with FAM65B-related conditions. ClinVar contains an entry for this variant (Variation ID: 2761380). An algorithm developed to predict the effect of missense changes on protein structure and function (PolyPhen-2) suggests that this variant is likely to be disruptive. In summary, the available evidence is currently insufficient to determine the role of this variant in disease. Therefore, it has been classified as a Variant of Uncertain Significance.